The following is an entry in ClinVar:

NM_000179.3(MSH6):c.1828A>T (p.Lys610Ter)

Gene: MSH6 (mutS homolog 6; plus strand). Cytogenetic location: 2p16.3.
Variant type: single nucleotide variant.
Coding change: c.1828A>T on transcript NM_000179.3 (MANE Select); coding-DNA position 1828, A replaced by T.
Protein change: p.Lys610Ter; replaces lysine 610 with a stop codon.
Molecular consequence: nonsense.
Genome position (GRCh38, 1-based): chr2:47,799,811, A>T. VCF-style: chr2-47799811-A-T. GRCh37 (hg19) VCF-style: chr2-48026950-A-T.
Other names: c.1438A>T, p.Lys480Ter (NM_001281492.2); c.922A>T, p.Lys308Ter (NM_001281493.2, NM_001281494.2, NM_001406811.1 and 6 more transcripts); c.1924A>T, p.Lys642Ter (NM_001406795.1, NM_001406802.1); c.1828A>T, p.Lys610Ter (NM_001406796.1, NM_001406798.1, NM_001406800.1 and 3 more transcripts); c.1531A>T, p.Lys511Ter (NM_001406797.1, NM_001406801.1, NM_001406805.1 and 10 more transcripts); c.1303A>T, p.Lys435Ter (NM_001406799.1, NM_001406806.1, NM_001406807.1); c.1750A>T, p.Lys584Ter (NM_001406804.1); c.1834A>T, p.Lys612Ter (NM_001406813.1); and 1 more; short protein forms K480*, K511*, K554*, K308*, K584*, K610*, K435*, K612*.
Identifiers: ClinVar variation 1780877 (VCV001780877.2), dbSNP rs1172760455, ClinGen allele CA346749498.

ClinVar aggregate classification (germline): Pathogenic (1 of 4 stars; one submission).

Conditions:
Hereditary cancer-predisposing syndrome. Also called: Neoplastic Syndromes, Hereditary; Tumor predisposition; Hereditary Cancer Syndrome; Hereditary neoplastic syndrome. Identifiers: Orphanet 140162, MedGen C0027672, MeSH D009386, MONDO:0015356.

Submission:

Ambry Genetics
Classification: Pathogenic for Hereditary cancer-predisposing syndrome. Last evaluated: 2022-01-20. Review status: criteria provided, single submitter. Criteria: Ambry Variant Classification Scheme 2023. Collection method: clinical testing. Allele origin: germline.
Comment: The p.K610* pathogenic mutation (also known as c.1828A>T), located in coding exon 4 of the MSH6 gene, results from an A to T substitution at nucleotide position 1828. This changes the amino acid from a lysine to a stop codon within coding exon 4. This alteration is expected to result in loss of function by premature protein truncation or nonsense-mediated mRNA decay. As such, this alteration is interpreted as a disease-causing mutation.